The following is an entry in ClinVar:

NM_018941.4(CLN8):c.562_563del (p.Leu188fs)

Gene: CLN8 (CLN8 transmembrane ER and ERGIC protein; plus strand). Cytogenetic location: 8p23.3.
Variant type: Microsatellite.
Coding change: c.562_563del on transcript NM_018941.4 (MANE Select); coding-DNA positions 562 to 563, 2 bases deleted (CT; older notation c.562_563delCT).
Protein change: p.Leu188fs; shifts the reading frame from leucine 188.
Molecular consequence: frameshift variant.
Genome position (GRCh38, 1-based): chr8:1,780,268-1,780,269, CT deleted; deleting any 2 consecutive bases within chr8:1,780,265-1,780,269 gives the same sequence; the c. name uses the placement nearest the transcript's 3' end. VCF-style (leftmost placement, unchanged base first): chr8-1780264-GTC-G. GRCh37 (hg19) VCF-style: chr8-1728430-GTC-G.
Other names: c.562_563delCT (NM_018941.3); short protein forms L188fs.
Identifiers: ClinVar variation 56713 (VCV000056713.10), dbSNP rs386834132, ClinGen allele CA264179.

ClinVar aggregate classification (germline): Pathogenic/Likely pathogenic. Review status: criteria provided, multiple submitters, no conflicts (2 of 4 stars). 4 submissions from 4 submitters: Pathogenic (1); Likely pathogenic (1). 2 of the submissions do not count toward it. Last evaluated 2023-10-28.

Conditions:
Neuronal ceroid lipofuscinosis. Also called: Neuronal Ceroid Lipofuscinoses. Identifiers: Orphanet 216, Orphanet 79263, MedGen C0027877, MONDO:0016295. Disease mechanism: loss of function.
Neuronal ceroid lipofuscinosis 8 (CLN8). Also called: CLN8-Related Neuronal Ceroid-Lipofuscinosis. Identifiers: Orphanet 168491, Orphanet 228354, Orphanet 79264, MedGen C1838570, MONDO:0010830, OMIM 600143.

Submissions (4):

Labcorp Genetics (formerly Invitae), Labcorp
Classification: Pathogenic for Neuronal ceroid lipofuscinosis. Last evaluated: 2023-10-28. Review status: criteria provided, single submitter. Criteria: Invitae Variant Classification Sherloc (09022015). Collection method: clinical testing. Allele origin: germline.
Comment: This sequence change creates a premature translational stop signal (p.Leu188Valfs*58) in the CLN8 gene. While this is not anticipated to result in nonsense mediated decay, it is expected to disrupt the last 99 amino acid(s) of the CLN8 protein. This variant is present in population databases (rs386834132, gnomAD 0.0009%). This premature translational stop signal has been observed in individual(s) with neuronal ceroid lipofuscinosis (PMID: 22220808). ClinVar contains an entry for this variant (Variation ID: 56713). This variant disrupts a region of the CLN8 protein in which other variant(s) (p.Val236Serfs*8) have been determined to be pathogenic (Invitae). This suggests that this is a clinically significant region of the protein, and that variants that disrupt it are likely to be disease-causing. For these reasons, this variant has been classified as Pathogenic.

Women's Health and Genetics/Laboratory Corporation of America, LabCorp
Classification: Likely pathogenic for Neuronal ceroid lipofuscinosis 8. Last evaluated: 2021-05-14. Review status: criteria provided, single submitter. Criteria: LabCorp Variant Classification Summary - May 2015. Collection method: clinical testing. Allele origin: germline.
Comment: Variant summary: CLN8 c.562_563delCT (p.Leu188ValfsX58) results in a premature termination codon located in the last exon therefore it is not expected to elicit nonsense mediated decay, but is predicted to cause a truncation of the encoded protein. Truncations downstream of this position have been reported in affected individuals (HGMD). The variant allele was found at a frequency of 4e-06 in 250252 control chromosomes (gnomAD). The variant, c.562_563delCT, or the equivalent protein level change (p.Leu188Valfs), has been reported in the literature in individuals affected with Neuronal Ceroid-Lipofuscinosis, CLN8-Related (Allen_2012, Lee_2014). These data indicate that the variant may be associated with disease. To our knowledge, no experimental evidence demonstrating an impact on protein function has been reported. One clinical diagnostic laboratory has submitted clinical-significance assessments for this variant to ClinVar after 2014 without evidence for independent evaluation, and classified the variant as pathogenic. Based on the evidence outlined above, the variant was classified as likely pathogenic.

Counsyl
Classification: Likely pathogenic for Ceroid lipofuscinosis neuronal 8. Last evaluated: 2014-09-16. Review status: no assertion criteria provided. Collection method: literature only. Allele origin: unknown. Inheritance: Autosomal recessive inheritance. Not counted in ClinVar's aggregate classification.

Juha Muilu Group; Institute for Molecular Medicine Finland (FIMM)
Classification: Likely pathogenic for Ceroid lipofuscinosis neuronal 8. Review status: no assertion criteria provided. Collection method: not provided. Allele origin: unknown. Not counted in ClinVar's aggregate classification.
Comment: FinDis database variant: This variant was not found or characterized by our laboratory, data were collected from public sources: see reference
ClinVar note: Converted during submission from probable-pathogenic to Likely pathogenic.

Literature cited by the submitters: PubMed 22220808 (cited by 3 submitters); PubMed 25326637 (cited by Women's Health and Genetics/Laboratory Corporation of America, LabCorp); PubMed 30919163 (cited by Women's Health and Genetics/Laboratory Corporation of America, LabCorp); PubMed 10861296 (cited by Counsyl); PubMed 15160397 (cited by Counsyl).